The following is an entry in ClinVar:

NM_133497.4(KCNV2):c.339C>A (p.Cys113Ter)

Gene: KCNV2 (potassium voltage-gated channel modifier subfamily V member 2; plus strand). Cytogenetic location: 9p24.2.
Variant type: single nucleotide variant.
Coding change: c.339C>A on transcript NM_133497.4 (MANE Select); coding-DNA position 339, C replaced by A.
Protein change: p.Cys113Ter; replaces cysteine 113 with a stop codon.
Molecular consequence: nonsense.
Genome position (GRCh38, 1-based): chr9:2,718,078, C>A. VCF-style: chr9-2718078-C-A. GRCh37 (hg19) VCF-style: chr9-2718078-C-A.
Other names: short protein forms C113*.
Identifiers: ClinVar variation 867070 (VCV000867070.10), dbSNP rs202036979, ClinGen allele CA187971118.

ClinVar aggregate classification (germline): Pathogenic/Likely pathogenic. Review status: criteria provided, multiple submitters, no conflicts (2 of 4 stars). 5 submissions from 5 submitters: Pathogenic (4); Likely pathogenic (1). Last evaluated 2026-07-02.

Conditions:
Cone dystrophy with supernormal rod response (CDSRR). Also called: CONE DYSTROPHY WITH SUPERNORMAL ROD RESPONSES. Identifiers: Orphanet 209932, MedGen C1835897, MONDO:0012475, OMIM 610356.
KCNV2-related disorder. Also called: KCNV2-related condition.

Allele frequency attached by ClinVar (database versions not stated): TOPMed 0.00006; ESP Exome Variant Server 0.00008.

Submissions (5):

PreventionGenetics, part of Exact Sciences
Classification: Pathogenic for KCNV2-related condition. Last evaluated: 2026-07-02. Review status: criteria provided, single submitter. Criteria: ACMG Guidelines, 2015. Collection method: clinical testing. Allele origin: germline.
Comment: The KCNV2 c.339C>A variant is predicted to result in premature protein termination (p.Cys113*). This variant has been reported in individuals with autosomal recessive cone dystrophy (Table S3, Thiadens et al. 2012. PubMed ID: 22264887; Table S3, Zampaglione et al. 2021. PubMed ID: 34906470; Table S1, Lin et al. 2024. PubMed ID: 38219857). This variant is present in 0.0027% of alleles in individuals of European (Non-Finnish) descent in gnomAD. Nonsense variants in KCNV2 are an established mechanism of disease. This variant is interpreted as pathogenic.

Labcorp Genetics (formerly Invitae), Labcorp
Classification: Pathogenic. Last evaluated: 2026-01-27. Review status: criteria provided, single submitter. Criteria: Invitae Variant Classification Sherloc (09022015). Collection method: clinical testing. Allele origin: germline.
Comment: This sequence change creates a premature translational stop signal (p.Cys113*) in the KCNV2 gene. It is expected to result in an absent or disrupted protein product. Loss-of-function variants in KCNV2 are known to be pathogenic (PMID: 16909397, 18235024). The frequency data for this variant in the population databases is considered unreliable, as metrics indicate poor data quality at this position in the gnomAD database. This premature translational stop signal has been observed in individual(s) with retinal cone dystrophy (PMID: 23077521). ClinVar contains an entry for this variant (Variation ID: 867070). For these reasons, this variant has been classified as Pathogenic.

GeneDx
Classification: Pathogenic. Last evaluated: 2025-09-17. Review status: criteria provided, single submitter. Criteria: GeneDx Variant Classification Process June 2021. Collection method: clinical testing. Allele origin: germline. Affected: yes.
Comment: Identified in patients with autosomal recessive KCNV2-related disorders in the published literature (PMID: 23077521, 22264887); Nonsense variant predicted to result in protein truncation or nonsense mediated decay in a gene for which loss of function is a known mechanism of disease; Not observed at significant frequency in large population cohorts (gnomAD); This variant is associated with the following publications: (PMID: 22264887, 26755771, 32967234, 34906470, 31964843, 23077521, 38465142)

Blueprint Genetics
Classification: Pathogenic for KCNV2-related disorders. Last evaluated: 2022-06-09. Review status: criteria provided, single submitter. Criteria: ACMG Guidelines, 2015. Collection method: clinical testing. Allele origin: germline. Affected: yes. Observed: 5 variant alleles.

Ocular Genomics Institute, Massachusetts Eye and Ear
Classification: Likely pathogenic for Cone dystrophy with supernormal rod response. Last evaluated: 2021-04-08. Review status: criteria provided, single submitter. Criteria: ACMG Guidelines, 2015. Collection method: research. Allele origin: germline. Affected: yes.
Comment: Through a review of available evidence we were able to apply the following criteria: PVS1, PM2. Based on this evidence we have classified this variant as Likely Pathogenic.

Literature cited by the submitters: PubMed 16909397 (cited by Labcorp Genetics (formerly Invitae), Labcorp); PubMed 18235024 (cited by Labcorp Genetics (formerly Invitae), Labcorp); PubMed 23077521 (cited by Labcorp Genetics (formerly Invitae), Labcorp).